The following is an entry in ClinVar:

ClinVar aggregate classification (germline): Uncertain significance (1 of 4 stars; one submission).

Allele frequency attached by ClinVar (database versions not stated): ExAC 0.00001; gnomAD 0.00001.
gnomAD v4.1: 16 of 1,613,350 alleles (0.00099%); highest among the groups gnomAD compares: East Asian, 0.0089%; no homozygotes.

Submission:

Labcorp Genetics (formerly Invitae), Labcorp
Classification: Uncertain significance. Last evaluated: 2022-09-07. Review status: criteria provided, single submitter. Criteria: Invitae Variant Classification Sherloc (09022015). Collection method: clinical testing. Allele origin: germline.
Comment: This sequence change replaces arginine, which is basic and polar, with histidine, which is basic and polar, at codon 738 of the LTBP2 protein (p.Arg738His). This variant is present in population databases (rs758392845, gnomAD 0.006%). This variant has not been reported in the literature in individuals affected with LTBP2-related conditions. Algorithms developed to predict the effect of missense changes on protein structure and function (SIFT, PolyPhen-2, Align-GVGD) all suggest that this variant is likely to be disruptive. In summary, the available evidence is currently insufficient to determine the role of this variant in disease. Therefore, it has been classified as a Variant of Uncertain Significance.

NM_000428.3(LTBP2):c.2213G>A (p.Arg738His)

Gene: LTBP2 (latent transforming growth factor beta binding protein 2; minus strand). Cytogenetic location: 14q24.3.
Variant type: single nucleotide variant.
Coding change: c.2213G>A on transcript NM_000428.3 (MANE Select); coding-DNA position 2213, G replaced by A.
Protein change: p.Arg738His; replaces arginine 738 with histidine.
Molecular consequence: missense variant.
Genome position (GRCh38, 1-based): chr14:74,528,638, C>T on the plus strand (G>A on the coding strand, the complement: LTBP2 is on the minus strand). VCF-style: chr14-74528638-C-T. GRCh37 (hg19) VCF-style: chr14-74995341-C-T.
Other names: short protein forms R738H.
Identifiers: ClinVar variation 1987566 (VCV001987566.1), dbSNP rs758392845, ClinGen allele CA7269607.